The following is an entry in ClinVar:

ClinVar aggregate classification (germline): Uncertain significance (1 of 4 stars; one submission).

Conditions:
Cardiovascular phenotype. Identifiers: MedGen CN230736.

gnomAD v4.1: 1 of 1,614,196 alleles (0.000062%); highest among the groups gnomAD compares: Non-Finnish European, 0.000085%; no homozygotes.

Submission:

Ambry Genetics
Classification: Uncertain significance for Cardiovascular phenotype. Last evaluated: 2025-02-05. Review status: criteria provided, single submitter. Criteria: Ambry Variant Classification Scheme 2023. Collection method: clinical testing. Allele origin: germline.
Comment: The p.A180V variant (also known as c.539C>T), located in coding exon 1 of the KCNJ5 gene, results from a C to T substitution at nucleotide position 539. The alanine at codon 180 is replaced by valine, an amino acid with similar properties. This amino acid position is highly conserved in available vertebrate species. In addition, this alteration is predicted to be deleterious by in silico analysis. Based on the available evidence, the clinical significance of this variant remains unclear.

NM_000890.5(KCNJ5):c.539C>T (p.Ala180Val)

Gene: KCNJ5 (potassium inwardly rectifying channel subfamily J member 5; plus strand). Cytogenetic location: 11q24.3.
Variant type: single nucleotide variant.
Coding change: c.539C>T on transcript NM_000890.5 (MANE Select); coding-DNA position 539, C replaced by T.
Protein change: p.Ala180Val; replaces alanine 180 with valine.
Molecular consequence: missense variant.
Genome position (GRCh38, 1-based): chr11:128,911,812, C>T. VCF-style: chr11-128911812-C-T. GRCh37 (hg19) VCF-style: chr11-128781707-C-T.
Other names: c.539C>T, p.Ala180Val (NM_001354169.2); short protein forms A180V.
Identifiers: ClinVar variation 3862865 (VCV003862865.1).
Genomic context (GRCh38, chr11:128,911,812, plus strand): 5'-AGTGTCCAGAGGGGATTATACTCCTCTTGGTCCAGGCCATCCTGGGCTCCATCGTCAATG[C>T]CTTCATGGTGGGGTGCATGTTTGTCAAGATCAGCCAGCCCAAGAAGAGAGCGGAGACCCT-3'
Protein context (NP_000881.3, residues 170-190): VQAILGSIVN[Ala180Val]FMVGCMFVKI